The following is an entry in ClinVar:

ClinVar aggregate classification (germline): Uncertain significance (1 of 4 stars; one submission).

Submission:

Labcorp Genetics (formerly Invitae), Labcorp
Classification: Uncertain significance. Last evaluated: 2021-12-20. Review status: criteria provided, single submitter. Criteria: Invitae Variant Classification Sherloc (09022015). Collection method: clinical testing. Allele origin: germline.
Comment: This sequence change replaces glutamic acid, which is acidic and polar, with aspartic acid, which is acidic and polar, at codon 1878 of the CAD protein (p.Glu1878Asp). This variant is not present in population databases (gnomAD no frequency). This variant has not been reported in the literature in individuals affected with CAD-related conditions. Algorithms developed to predict the effect of missense changes on protein structure and function (SIFT, PolyPhen-2, Align-GVGD) all suggest that this variant is likely to be tolerated. In summary, the available evidence is currently insufficient to determine the role of this variant in disease. Therefore, it has been classified as a Variant of Uncertain Significance.

NM_004341.5(CAD):c.5634G>C (p.Glu1878Asp)

Gene: CAD (carbamoyl-phosphate synthetase 2, aspartate transcarbamylase, and dihydroorotase; plus strand). Cytogenetic location: 2p23.3.
Variant type: single nucleotide variant.
Coding change: c.5634G>C on transcript NM_004341.5 (MANE Select); coding-DNA position 5634, G replaced by C.
Protein change: p.Glu1878Asp; replaces glutamic acid 1878 with aspartic acid.
Molecular consequence: missense variant.
Genome position (GRCh38, 1-based): chr2:27,240,951, G>C. VCF-style: chr2-27240951-G-C. GRCh37 (hg19) VCF-style: chr2-27463819-G-C.
Other names: c.5445G>C, p.Glu1815Asp (NM_001306079.2); short protein forms E1815D, E1878D.
Identifiers: ClinVar variation 2050275 (VCV002050275.1), dbSNP rs1463525530, ClinGen allele CA346223270.